The following is an entry in ClinVar:

ClinVar aggregate classification (germline): Benign/Likely benign. Review status: criteria provided, multiple submitters, no conflicts (2 of 4 stars). 5 submissions from 5 submitters: Benign (1); Likely benign (4). Last evaluated 2025-06-09.

Conditions:
Hereditary cancer-predisposing syndrome. Also called: Neoplastic Syndromes, Hereditary; Hereditary neoplastic syndrome; Tumor predisposition; Hereditary Cancer Syndrome. Identifiers: Orphanet 140162, MedGen C0027672, MeSH D009386, MONDO:0015356.
ATM-related cancer predisposition. Also called: ATM-related cancer susceptibility. Identifiers: MedGen CN377759, MONDO:0700270.
Familial cancer of breast. Also called: Hereditary breast cancer; hereditary breast carcinoma; BREAST CANCER, FAMILIAL. Identifiers: Orphanet 227535, MedGen C0346153, MONDO:0016419, OMIM 114480. Disease mechanism: loss of function.
Ataxia-telangiectasia syndrome (AT). Also called: Cerebello-oculocutaneous telangiectasia; Immunodeficiency with ataxia telangiectasia; Ataxia-telangiectasia; Ataxia telangiectasia (A-T); LOUIS-BAR SYNDROME; Ataxia-telangiectasia, complementation group D. Identifiers: Orphanet 100, MedGen C0004135, MONDO:0008840, OMIM 208900.

Allele frequency attached by ClinVar (database versions not stated): gnomAD exomes below 0.00001; TOPMed below 0.00001; ExAC 0.00001.
gnomAD v4.1: 1 of 1,613,978 alleles (0.000062%); highest among the groups gnomAD compares: South Asian, 0.0011%; no homozygotes.

Submissions (5):

Labcorp Genetics (formerly Invitae), Labcorp
Classification: Likely benign for Ataxia-telangiectasia syndrome. Last evaluated: 2025-06-09. Review status: criteria provided, single submitter. Criteria: Invitae Variant Classification Sherloc (09022015). Collection method: clinical testing. Allele origin: germline.

Myriad Genetics, Inc.
Classification: Benign for Familial cancer of breast. Last evaluated: 2024-05-21. Review status: criteria provided, single submitter. Criteria: Myriad Autosomal Dominant, Autosomal Recessive and X-Linked Classification Criteria (2023). Collection method: clinical testing. Allele origin: unknown.
Comment: This variant is considered benign. This variant is a silent/synonymous amino acid change and it is not expected to impact splicing.

Ambry Genetics
Classification: Likely benign for Hereditary cancer-predisposing syndrome. Last evaluated: 2023-12-08. Review status: criteria provided, single submitter. Criteria: Ambry Variant Classification Scheme 2023. Collection method: clinical testing. Allele origin: germline.

Department of Pathology and Laboratory Medicine, Sinai Health System
Classification: Likely benign for ATM-related cancer predisposition. Last evaluated: 2023-07-05. Review status: criteria provided, single submitter. Criteria: ACMG Guidelines, 2015. Collection method: clinical testing. Allele origin: germline. Affected: yes.

Blueprint Genetics
Classification: Likely benign. Last evaluated: 2021-08-11. Review status: criteria provided, single submitter. Criteria: ACMG Guidelines, 2015. Collection method: clinical testing. Allele origin: germline.

NM_000051.4(ATM):c.4869A>G (p.Leu1623=)

Gene: ATM (ATM serine/threonine kinase; plus strand). Cytogenetic location: 11q22.3.
Variant type: single nucleotide variant.
Coding change: c.4869A>G on transcript NM_000051.4 (MANE Select); coding-DNA position 4869, A replaced by G.
Protein change: p.Leu1623=; no amino-acid change (leucine 1623 retained).
Molecular consequence: synonymous variant.
Genome position (GRCh38, 1-based): chr11:108,295,019, A>G. VCF-style: chr11-108295019-A-G. GRCh37 (hg19) VCF-style: chr11-108165746-A-G.
Other names: c.4869A>G, p.Leu1623= (NM_001351834.2); c.4869A>G (NM_000051.3).
Identifiers: ClinVar variation 1631614 (VCV001631614.12), dbSNP rs767084038, ClinGen allele CA6265568.